The following is an entry in ClinVar:

ClinVar aggregate classification (germline): Uncertain significance (1 of 4 stars; one submission).

gnomAD v4.1: 3 of 1,207,437 alleles (0.00025%); highest among the groups gnomAD compares: Non-Finnish European, 0.00034%; no homozygotes.

Submission:

GeneDx
Classification: Uncertain significance. Last evaluated: 2024-02-07. Review status: criteria provided, single submitter. Criteria: GeneDx Variant Classification Process June 2021. Collection method: clinical testing. Allele origin: germline. Affected: yes.
Comment: Not observed at significant frequency in large population cohorts (gnomAD); In silico analysis supports that this missense variant does not alter protein structure/function; Has not been previously published as pathogenic or benign to our knowledge

NM_012310.5(KIF4A):c.2932G>A (p.Glu978Lys)

Gene: KIF4A (kinesin family member 4A; plus strand). Cytogenetic location: Xq13.1.
Variant type: single nucleotide variant.
Coding change: c.2932G>A on transcript NM_012310.5 (MANE Select); coding-DNA position 2932, G replaced by A.
Protein change: p.Glu978Lys; replaces glutamic acid 978 with lysine.
Molecular consequence: missense variant.
Genome position (GRCh38, 1-based): chrX:70,405,861, G>A. VCF-style: chrX-70405861-G-A. GRCh37 (hg19) VCF-style: chrX-69625711-G-A.
Other names: short protein forms E978K.
Identifiers: ClinVar variation 3369024 (VCV003369024.1).